The following is an entry in ClinVar:

ClinVar aggregate classification (germline): Pathogenic/Likely pathogenic. Review status: criteria provided, multiple submitters, no conflicts (2 of 4 stars). 6 submissions from 6 submitters: Pathogenic (4); Likely pathogenic (1). 1 of the submissions does not count toward it. Last evaluated 2026-06-29.

Conditions:
HEXA-related disorders.
Tay-Sachs disease (TSD). Also called: HEXA Disorders; Hexosaminidase A Deficiency; GM2 gangliosidosis, type 1; Hexosaminidase alpha-subunit deficiency (variant B); Sphingolipidosis, Tay-Sachs; HEXA DEFICIENCY. Identifiers: Orphanet 845, MedGen C0039373, MONDO:0010100, OMIM 272800.

Submissions (6):

Women's Health and Genetics/Laboratory Corporation of America, LabCorp
Classification: Pathogenic for Tay-Sachs disease. Last evaluated: 2026-06-29. Review status: criteria provided, single submitter. Criteria: LabCorp Variant Classification Summary - May 2015. Collection method: clinical testing. Allele origin: germline.
Comment: Variant summary: HEXA c.1307_1308delTA (p.Ile436SerfsX7) results in a premature termination codon, predicted to cause a truncation of the encoded protein or absence of the protein due to nonsense mediated decay, which are commonly known mechanisms for disease. The variant allele was found at a frequency of 8e-06 in 251354 control chromosomes. c.1307_1308delTA has been observed in homozygous state in an individual affected with HEXA-related Tay-Sachs disease (Zampieri_2012). These data indicate that the variant is very likely to be associated with disease. At least one publication reports experimental evidence evaluating an impact on protein function, however, the data does not allow convincing conclusions about the variant effect. The following publication have been ascertained in the context of this evaluation (PMID: 22441121). ClinVar contains an entry for this variant (Variation ID: 189046). Based on the evidence outlined above, the variant was classified as pathogenic.

Natera, Inc.
Classification: Pathogenic for Tay-Sachs disease. Last evaluated: 2025-11-05. Review status: criteria provided, single submitter. Criteria: Natera Variant Classification Schema (03/2026). Collection method: clinical testing. Allele origin: germline.
Comment: The c.1307_1308delTA variant in HEXA is a frameshift variant predicted to shift the reading frame beginning at codon 436 and leads to a stop codon 7 codons downstream. This variant is expected to result in nonsense mediated decay, truncation, or a dysfunctional protein product. This variant is rare in the general population with a frequency below the threshold expected for the associated phenotype(s). This variant has been observed in one or more individuals affected with the associated recessive disease, as either homozygous or compound heterozygous with a second variant (PMID: 22441121). Given the available evidence, this variant is classified as Pathogenic.

Labcorp Genetics (formerly Invitae), Labcorp
Classification: Pathogenic for Tay-Sachs disease. Last evaluated: 2025-09-16. Review status: criteria provided, single submitter. Criteria: Invitae Variant Classification Sherloc (09022015). Collection method: clinical testing. Allele origin: germline.
Comment: This sequence change creates a premature translational stop signal (p.Ile436Serfs*7) in the HEXA gene. It is expected to result in an absent or disrupted protein product. Loss-of-function variants in HEXA are known to be pathogenic (PMID: 1833974, 8490625). This variant is present in population databases (rs777042785, gnomAD 0.008%). This premature translational stop signal has been observed in individual(s) with Tay-Sachs disease (PMID: 22441121). ClinVar contains an entry for this variant (Variation ID: 189046). For these reasons, this variant has been classified as Pathogenic.

GeneDx
Classification: Pathogenic. Last evaluated: 2025-05-08. Review status: criteria provided, single submitter. Criteria: GeneDx Variant Classification Process June 2021. Collection method: clinical testing. Allele origin: germline. Affected: yes.
Comment: Frameshift variant predicted to result in protein truncation or nonsense mediated decay in a gene for which loss of function is a known mechanism of disease; Not observed at significant frequency in large population cohorts (gnomAD); This variant is associated with the following publications: (PMID: 38532509, 22441121)

Blueprint Genetics
Classification: Likely pathogenic for HEXA-related disorders. Last evaluated: 2021-03-23. Review status: criteria provided, single submitter. Criteria: ACMG Guidelines, 2015. Collection method: clinical testing. Allele origin: germline. Affected: yes. Observed: 3 variant alleles.

Counsyl
Classification: Likely pathogenic for Tay-Sachs disease. Last evaluated: 2014-11-05. Review status: no assertion criteria provided. Collection method: literature only. Allele origin: unknown. Inheritance: Autosomal recessive inheritance. Not counted in ClinVar's aggregate classification.

Literature cited by the submitters: PubMed 22441121 (cited by 4 submitters); PubMed 1833974 (cited by Labcorp Genetics (formerly Invitae), Labcorp); PubMed 8490625 (cited by Labcorp Genetics (formerly Invitae), Labcorp).

NM_000520.6(HEXA):c.1307_1308del (p.Ile436fs)

Gene: HEXA (hexosaminidase subunit alpha; minus strand). Cytogenetic location: 15q23.
Variant type: Deletion.
Coding change: c.1307_1308del on transcript NM_000520.6 (MANE Select); coding-DNA positions 1307 to 1308, 2 bases deleted (TA; older notation c.1307_1308delTA).
Protein change: p.Ile436fs; shifts the reading frame from isoleucine 436.
Molecular consequence: frameshift variant.
Genome position (GRCh38, 1-based): chr15:72,346,549-72,346,550, TA deleted on the plus strand (TA on the coding strand, the reverse complement: HEXA is on the minus strand); deleting any 2 consecutive bases within chr15:72,346,549-72,346,551 gives the same sequence; the c. name uses the placement nearest the transcript's 3' end. VCF-style (leftmost placement, unchanged base first): chr15-72346548-CTA-C. GRCh37 (hg19) VCF-style: chr15-72638889-CTA-C.
Other names: c.1340_1341del, p.Ile447fs (NM_001318825.2); c.1307_1308delTA (NM_000520.4, NM_000520.6); short protein forms I436fs, I447fs.
Identifiers: ClinVar variation 189046 (VCV000189046.14), dbSNP rs777042785, ClinGen allele CA274317.